The following is an entry in ClinVar:

ClinVar aggregate classification (germline): Uncertain significance (1 of 4 stars; one submission).

Conditions:
Progressive familial heart block type IB (PFHB1B). Identifiers: Orphanet 871, MedGen C1970298, MONDO:0011474, OMIM 604559.

Submission:

Labcorp Genetics (formerly Invitae), Labcorp
Classification: Uncertain significance for Progressive familial heart block type IB. Last evaluated: 2025-02-19. Review status: criteria provided, single submitter. Criteria: Invitae Variant Classification Sherloc (09022015). Collection method: clinical testing. Allele origin: germline.
Comment: This sequence change replaces valine, which is neutral and non-polar, with alanine, which is neutral and non-polar, at codon 1179 of the TRPM4 protein (p.Val1179Ala). This variant is not present in population databases (gnomAD no frequency). This variant has not been reported in the literature in individuals affected with TRPM4-related conditions. An algorithm developed to predict the effect of missense changes on protein structure and function (PolyPhen-2) suggests that this variant is likely to be tolerated. Algorithms developed to predict the effect of sequence changes on RNA splicing suggest that this variant may disrupt the consensus splice site. In summary, the available evidence is currently insufficient to determine the role of this variant in disease. Therefore, it has been classified as a Variant of Uncertain Significance.

NM_017636.4(TRPM4):c.3536T>C (p.Val1179Ala)

Gene: TRPM4 (transient receptor potential cation channel subfamily M member 4; plus strand). Cytogenetic location: 19q13.33.
Variant type: single nucleotide variant.
Coding change: c.3536T>C on transcript NM_017636.4 (MANE Select); coding-DNA position 3536, T replaced by C.
Protein change: p.Val1179Ala; replaces valine 1179 with alanine.
Molecular consequence: missense variant.
Genome position (GRCh38, 1-based): chr19:49,211,165, T>C. VCF-style: chr19-49211165-T-C. GRCh37 (hg19) VCF-style: chr19-49714422-T-C.
Other names: c.3101T>C, p.Val1034Ala (NM_001195227.2); c.3191T>C, p.Val1064Ala (NM_001321281.2); c.1928T>C, p.Val643Ala (NM_001321282.2); c.3014T>C, p.Val1005Ala (NM_001321283.2); c.2474T>C, p.Val825Ala (NM_001321285.2); short protein forms V1005A, V1034A, V1064A, V825A, V643A, V1179A.
Identifiers: ClinVar variation 4765128 (VCV004765128.1).